The following is an entry in ClinVar:

ClinVar aggregate classification (germline): Benign/Likely benign. Review status: criteria provided, multiple submitters, no conflicts (2 of 4 stars). 10 submissions from 10 submitters: Benign (3); Likely benign (4). 3 of the submissions do not count toward it. Last evaluated 2026-01-23.

Conditions:
APC-related disorder. Also called: APC-related condition.
Hereditary cancer-predisposing syndrome. Also called: Neoplastic Syndromes, Hereditary; Tumor predisposition; Hereditary Cancer Syndrome; Hereditary neoplastic syndrome. Identifiers: Orphanet 140162, MedGen C0027672, MeSH D009386, MONDO:0015356.
Familial adenomatous polyposis 1 (FAP1). Also called: FAMILIAL ADENOMATOUS POLYPOSIS 1, ATTENUATED; POLYPOSIS, ADENOMATOUS INTESTINAL. Identifiers: MedGen C2713442, MONDO:0021056, OMIM 175100. Disease mechanism: loss of function.
Malignant tumor of breast. Also called: Malignant breast neoplasm; Cancer breast. Identifiers: MedGen C0006142, MONDO:0007254. Disease mechanism: loss of function.

Allele frequency attached by ClinVar (database versions not stated): gnomAD 0.00001; TOPMed 0.00002; ExAC 0.00010; ESP Exome Variant Server 0.00015.
gnomAD v4.1: 41 of 1,613,846 alleles (0.0025%); highest among the groups gnomAD compares: South Asian, 0.012%; no homozygotes.

Submissions (10):

Labcorp Genetics (formerly Invitae), Labcorp
Classification: Likely benign for Familial adenomatous polyposis 1. Last evaluated: 2026-01-23. Review status: criteria provided, single submitter. Criteria: Invitae Variant Classification Sherloc (09022015). Collection method: clinical testing. Allele origin: germline.

Quest Diagnostics Nichols Institute San Juan Capistrano
Classification: Benign. Last evaluated: 2025-06-09. Review status: criteria provided, single submitter. Criteria: Quest Diagnostics criteria. Collection method: clinical testing. Allele origin: unknown.

Myriad Genetics, Inc.
Classification: Benign for Familial adenomatous polyposis 1. Last evaluated: 2023-02-16. Review status: criteria provided, single submitter. Criteria: Myriad Autosomal Dominant, Autosomal Recessive and X-Linked Classification Criteria (2023). Collection method: clinical testing. Allele origin: unknown.
Comment: This variant is considered benign. This variant is a silent/synonymous amino acid change and it is not expected to impact splicing.

Women's Health and Genetics/Laboratory Corporation of America, LabCorp
Classification: Benign. Last evaluated: 2019-05-17. Review status: criteria provided, single submitter. Criteria: LabCorp Variant Classification Summary - May 2015. Collection method: clinical testing. Allele origin: germline.
Comment: Variant summary: APC c.993G>A alters a non-conserved nucleotide resulting in a synonymous change. 5/5 computational tools predict no significant impact on normal splicing. However, these predictions have yet to be confirmed by functional studies. The variant allele was found at a frequency of 8e-05 in 251100 control chromosomes. The observed variant frequency is approximately 1.12 fold of the estimated maximal expected allele frequency for a pathogenic variant in APC causing Familial Adenomatous Polyposis phenotype (7.1e-05), strongly suggesting that the variant is benign. To our knowledge, no occurrence of c.993G>A in individuals affected with Familial Adenomatous Polyposis and no experimental evidence demonstrating its impact on protein function have been reported. Four clinical diagnostic laboratories have submitted clinical-significance assessments for this variant to ClinVar after 2014 without evidence for independent evaluation. All laboratories classified the variant as likely benign. Based on the evidence outlined above, the variant was classified as benign.

GeneDx
Classification: Likely benign. Last evaluated: 2018-11-09. Review status: criteria provided, single submitter. Criteria: GeneDx Variant Classification Process June 2021. Collection method: clinical testing. Allele origin: germline. Affected: yes.
Comment: This variant is associated with the following publications: (PMID: 27693639)

Color Diagnostics, LLC DBA Color Health
Classification: Likely benign for Hereditary cancer-predisposing syndrome. Last evaluated: 2016-08-05. Review status: criteria provided, single submitter. Criteria: ACMG Guidelines, 2015. Collection method: clinical testing. Allele origin: germline.

Ambry Genetics
Classification: Likely benign for Hereditary cancer-predisposing syndrome. Last evaluated: 2014-10-09. Review status: criteria provided, single submitter. Criteria: Ambry Variant Classification Scheme 2023. Collection method: clinical testing. Allele origin: germline.

PreventionGenetics, part of Exact Sciences
Classification: Likely benign for APC-related condition. Last evaluated: 2019-12-23. Review status: no assertion criteria provided. Collection method: clinical testing. Allele origin: germline. Not counted in ClinVar's aggregate classification.
Comment: This variant is classified as likely benign based on ACMG/AMP sequence variant interpretation guidelines (Richards et al. 2015 PMID: 25741868, with internal and published modifications).

Counsyl
Classification: Likely benign for Familial adenomatous polyposis 1. Last evaluated: 2016-03-31. Review status: no assertion criteria provided. Collection method: clinical testing. Allele origin: unknown. Not counted in ClinVar's aggregate classification.

Department of Pathology and Laboratory Medicine, Sinai Health System
Classification: Likely benign for Malignant tumor of breast. Review status: no assertion criteria provided. Collection method: clinical testing. Allele origin: unknown. Affected: yes. Study: The Canadian Open Genetics Repository (COGR). Not counted in ClinVar's aggregate classification.
Comment: The APC p.Ser331= variant was not identified in the literature nor was it identified in the UMD-LSDB database. The variant was identified in dbSNP (rs148343173) as â€šÃ„Ãºwith likely benignâ€šÃ„Ã¹ allele, ClinVar (classified as likely benign by Invitae, Ambry Genetics, Color, GeneDx and Counsyl) and LOVD 3.0 (observed 1x). The variant was identified in control databases in 21 of 282,468 chromosomes at a frequency of 0.00007 (Genome Aggregation Database Feb 27, 2017). The variant was observed in the following populations: South Asian in 8 of 30,612 chromosomes (freq: 0.0003, increasing the likelihood this could be a low frequency benign variant), African in 6 of 24,956 chromosomes (freq: 0.0002), Latino in 3 of 35,418 chromosomes (freq: 0.00009), and European in 4 of 128,854 chromosomes (freq: 0.0003); it was not observed in the Ashkenazi Jewish, East Asian, Finnish or Other populations. The p.Ser331= variant is not expected to have clinical significance because it does not result in a change of amino acid and is not located in a known consensus splice site. The variant occurs at a non-highly conserved nucleotide outside of the splicing consensus sequence and in silico or computational prediction software programs (SpliceSiteFinder, MaxEntScan, NNSPLICE, GeneSplicer) do not predict a difference in splicing. In summary, based on the above information, the clinical significance of this variant cannot be determined with certainty at this time although we would lean towards a more benign role for this variant. This variant is classified as likely benign.

NM_000038.6(APC):c.993G>A (p.Ser331=)

Gene: APC (APC regulator of Wnt signaling pathway; plus strand). Cytogenetic location: 5q22.2.
Variant type: single nucleotide variant.
Coding change: c.993G>A on transcript NM_000038.6 (MANE Select); coding-DNA position 993, G replaced by A.
Protein change: p.Ser331=; no amino-acid change (serine 331 retained).
Molecular consequence: synonymous variant. On other transcripts: intron variant (4).
Genome position (GRCh38, 1-based): chr5:112,819,025, G>A. VCF-style: chr5-112819025-G-A. GRCh37 (hg19) VCF-style: chr5-112154722-G-A.
Other names: c.993G>A, p.Ser331= (NM_001127510.3, NM_001354895.2, NM_001354896.2); c.939G>A, p.Ser313= (NM_001127511.3); c.1023G>A, p.Ser341= (NM_001354897.2); c.918G>A, p.Ser306= (NM_001354898.2); c.909G>A, p.Ser303= (NM_001354899.2); c.816G>A, p.Ser272= (NM_001354900.2, NM_001354901.2); c.144G>A, p.Ser48= (NM_001354906.2); c.964-244G>A (NM_001354902.2); and 3 more.
Identifiers: ClinVar variation 186413 (VCV000186413.28), dbSNP rs148343173, ClinGen allele CA016030.